The following is an entry in ClinVar:

ClinVar aggregate classification (germline): Uncertain significance. Review status: criteria provided, multiple submitters, no conflicts (2 of 4 stars). 3 submissions from 3 submitters: Uncertain significance (3). Last evaluated 2024-12-24.

Conditions:
Merosin deficient congenital muscular dystrophy (MDC1A). Also called: Congenital Muscular Dystrophy Type 1A (MDC1A); Congenital merosin-deficient muscular dystrophy 1A. Identifiers: Orphanet 258, MedGen C1263858, MONDO:0011925, OMIM 607855.
Inborn genetic diseases. Identifiers: MedGen C0950123, MeSH D030342.
Congenital muscular dystrophy due to partial LAMA2 deficiency. Identifiers: MedGen C1842898.

Allele frequency attached by ClinVar (database versions not stated): ExAC 0.00001; gnomAD 0.00001; gnomAD exomes 0.00001 and 0.00004; TOPMed 0.00001.
gnomAD v4.1: 54 of 1,613,806 alleles (0.0033%); highest among the groups gnomAD compares: Middle Eastern, 0.017%; 1 homozygote.

Submissions (3):

Ambry Genetics
Classification: Uncertain significance for Inborn genetic diseases. Last evaluated: 2024-12-24. Review status: criteria provided, single submitter. Criteria: Ambry Variant Classification Scheme 2023. Collection method: clinical testing. Allele origin: germline.

Baylor Genetics
Classification: Uncertain significance for Merosin deficient congenital muscular dystrophy. Last evaluated: 2018-10-31. Review status: criteria provided, single submitter. Criteria: ACMG Guidelines, 2015. Collection method: clinical testing. Allele origin: paternal. Affected: yes.
Comment: This variant was determined to be of uncertain significance according to ACMG Guidelines, 2015 [PMID:25741868].

Illumina Laboratory Services, Illumina
Classification: Uncertain significance for Congenital muscular dystrophy due to partial LAMA2 deficiency. Last evaluated: 2018-01-13. Review status: criteria provided, single submitter. Criteria: ICSL Variant Classification Criteria 13 December 2019. Collection method: clinical testing. Allele origin: germline.

NM_000426.4(LAMA2):c.3508G>A (p.Gly1170Ser)

Gene: LAMA2 (laminin subunit alpha 2; plus strand). Cytogenetic location: 6q22.33.
Variant type: single nucleotide variant.
Coding change: c.3508G>A on transcript NM_000426.4 (MANE Select); coding-DNA position 3508, G replaced by A.
Protein change: p.Gly1170Ser; replaces glycine 1170 with serine.
Molecular consequence: missense variant.
Genome position (GRCh38, 1-based): chr6:129,314,751, G>A. VCF-style: chr6-129314751-G-A. GRCh37 (hg19) VCF-style: chr6-129635896-G-A.
Other names: c.3508G>A, p.Gly1170Ser (NM_001079823.2); short protein forms G1170S.
Identifiers: ClinVar variation 905363 (VCV000905363.6), dbSNP rs747246881, ClinGen allele CA3993274.